The following is an entry in ClinVar:

ClinVar aggregate classification (germline): Conflicting classifications of pathogenicity. Review status: criteria provided, conflicting classifications (1 of 4 stars). 4 submissions from 4 submitters: Uncertain significance (1); Benign (1); Likely benign (2). Last evaluated 2024-04-30.

Conditions:
Familial cancer of breast. Also called: hereditary breast carcinoma; Hereditary breast cancer; BREAST CANCER, FAMILIAL. Identifiers: Orphanet 227535, MedGen C0346153, MONDO:0016419, OMIM 114480. Disease mechanism: loss of function.
Hereditary cancer-predisposing syndrome. Also called: Hereditary neoplastic syndrome; Hereditary Cancer Syndrome; Neoplastic Syndromes, Hereditary; Tumor predisposition. Identifiers: Orphanet 140162, MedGen C0027672, MeSH D009386, MONDO:0015356.
Ataxia-telangiectasia syndrome (AT). Also called: Ataxia-telangiectasia, complementation group D; Cerebello-oculocutaneous telangiectasia; Immunodeficiency with ataxia telangiectasia; ATAXIA-TELANGIECTASIA, COMPLEMENTATION GROUP A; ATAXIA-TELANGIECTASIA, FRESNO VARIANT; LOUIS-BAR SYNDROME. Identifiers: Orphanet 100, MedGen C0004135, MONDO:0008840, OMIM 208900.

Submissions (4):

Myriad Genetics, Inc.
Classification: Likely benign for Familial cancer of breast. Last evaluated: 2024-04-30. Review status: criteria provided, single submitter. Criteria: Myriad Autosomal Dominant, Autosomal Recessive and X-Linked Classification Criteria (2023). Collection method: clinical testing. Allele origin: unknown.
Comment: This variant is considered likely benign. This variant is intronic and is not expected to impact mRNA splicing.

Labcorp Genetics (formerly Invitae), Labcorp
Classification: Benign for Ataxia-telangiectasia syndrome. Last evaluated: 2022-02-09. Review status: criteria provided, single submitter. Criteria: Invitae Variant Classification Sherloc (09022015). Collection method: clinical testing. Allele origin: germline.

Color Diagnostics, LLC DBA Color Health
Classification: Uncertain significance for Hereditary cancer-predisposing syndrome. Last evaluated: 2020-06-22. Review status: criteria provided, single submitter. Criteria: ACMG Guidelines, 2015. Collection method: clinical testing. Allele origin: germline.
Comment: This variant causes the deletion of 1 nucleotide at the -8 position in intron 10 of the ATM gene. This variant is also known as IVS12-8del. To our knowledge, functional studies have not been reported for this variant. This variant has not been reported in individuals affected with hereditary cancer in the literature. This variant has not been identified in the general population by the Genome Aggregation Database (gnomAD). The available evidence is insufficient to determine the role of this variant in disease conclusively. Therefore, this variant is classified as a Variant of Uncertain Significance.

GeneDx
Classification: Likely benign. Last evaluated: 2016-01-06. Review status: criteria provided, single submitter. Criteria: GeneDx Variant Classification (06012015). Collection method: clinical testing. Allele origin: germline. Affected: yes.
Comment: This variant is considered likely benign or benign based on one or more of the following criteria: it is a conservative change, it occurs at a poorly conserved position in the protein, it is predicted to be benign by multiple in silico algorithms, and/or has population frequency not consistent with disease.

NM_000051.4(ATM):c.1608-8del

Gene: ATM (ATM serine/threonine kinase; plus strand). Cytogenetic location: 11q22.3.
Variant type: Deletion.
Coding change: c.1608-8del on transcript NM_000051.4 (MANE Select); 8 bases into the intron before coding-DNA position 1608, one base deleted (T; older notation c.1608-8delT).
Molecular consequence: intron variant.
Genome position (GRCh38, 1-based): chr11:108,251,829, T deleted; the last of 4 consecutive T bases (chr11:108,251,826-108,251,829); deleting any one gives the same sequence. VCF-style (leftmost placement, unchanged base first): chr11-108251825-GT-G. GRCh37 (hg19) VCF-style: chr11-108122552-GT-G.
Other names: c.1608-8delT (NM_000051.3); c.1608-8del (NM_001351834.2).
Identifiers: ClinVar variation 420333 (VCV000420333.11), dbSNP rs1064794419, ClinGen allele CA16619120.
Genomic context (GRCh38, chr11:108,251,825, plus strand): 5'-ACTGTCCTGATAGATAAAGTCTTTGCCCCTCCAATAGCTTGCTTTTCACAATTGTCCTTT[GT>G]TTTGTTATAGTCCTGCAGTATGCTGTTTGACTTTGGCACTGACCACCAGTATAGTTCCAG-3'